The following is an entry in ClinVar:

NM_138295.5(PKD1L1):c.7133T>C (p.Val2378Ala)

Genes: PKD1L1 (polycystin 1 like 1, transient receptor potential channel interacting; minus strand), PKD1L1-AS1 (PKD1L1 antisense RNA 1; plus strand). Cytogenetic location: 7p12.3.
Variant type: single nucleotide variant.
Coding change: c.7133T>C on transcript NM_138295.5 (MANE Select); coding-DNA position 7133, T replaced by C.
Protein change: p.Val2378Ala; replaces valine 2378 with alanine.
Molecular consequence: missense variant.
Genome position (GRCh38, 1-based): chr7:47,813,971, A>G on the plus strand (T>C on the coding strand, the complement: PKD1L1 is on the minus strand). VCF-style: chr7-47813971-A-G. GRCh37 (hg19) VCF-style: chr7-47853569-A-G.
Other names: short protein forms V2378A.
Identifiers: ClinVar variation 1716724 (VCV001716724.5), dbSNP rs2483879927, ClinGen allele CA367472098.

ClinVar aggregate classification (germline): Uncertain significance (1 of 4 stars; one submission).

Submission:

Labcorp Genetics (formerly Invitae), Labcorp
Classification: Uncertain significance. Last evaluated: 2022-08-19. Review status: criteria provided, single submitter. Criteria: Invitae Variant Classification Sherloc (09022015). Collection method: clinical testing. Allele origin: germline.
Comment: This sequence change replaces valine, which is neutral and non-polar, with alanine, which is neutral and non-polar, at codon 2378 of the PKD1L1 protein (p.Val2378Ala). This variant is not present in population databases (gnomAD no frequency). This variant has not been reported in the literature in individuals affected with PKD1L1-related conditions. Algorithms developed to predict the effect of missense changes on protein structure and function are either unavailable or do not agree on the potential impact of this missense change (SIFT: "Deleterious"; PolyPhen-2: "Benign"; Align-GVGD: "Class C0"). In summary, the available evidence is currently insufficient to determine the role of this variant in disease. Therefore, it has been classified as a Variant of Uncertain Significance.